The following is an entry in ClinVar:

NM_003872.3(NRP2):c.1725G>A (p.Pro575=)

Gene: NRP2 (neuropilin 2; plus strand). Cytogenetic location: 2q33.3.
Variant type: single nucleotide variant.
Coding change: c.1725G>A on transcript NM_003872.3 (MANE Select); coding-DNA position 1725, G replaced by A.
Protein change: p.Pro575=; no amino-acid change (proline 575 retained).
Molecular consequence: synonymous variant.
Genome position (GRCh38, 1-based): chr2:205,745,829, G>A. VCF-style: chr2-205745829-G-A. GRCh37 (hg19) VCF-style: chr2-206610553-G-A.
Other names: c.1725G>A, p.Pro575= (NM_018534.4, NM_201266.2, NM_201267.2 and 1 more transcripts).
Identifiers: ClinVar variation 3032169 (VCV003032169.2), dbSNP rs778602865, ClinGen allele CA2069176.

ClinVar aggregate classification (germline): Likely benign (0 of 4 stars; one submission).

Conditions:
NRP2-related disorder. Also called: NRP2-related condition.

Allele frequency attached by ClinVar (database versions not stated): TOPMed 0.00004; gnomAD 0.00005.
gnomAD v4.1: 90 of 1,614,088 alleles (0.0056%); highest among the groups gnomAD compares: African/African-American, 0.0093%; no homozygotes.

Submission:

PreventionGenetics, part of Exact Sciences
Classification: Likely benign for NRP2-related condition. Last evaluated: 2021-07-26. Review status: no assertion criteria provided. Collection method: clinical testing. Allele origin: germline.
Comment: This variant is classified as likely benign based on ACMG/AMP sequence variant interpretation guidelines (Richards et al. 2015 PMID: 25741868, with internal and published modifications).